The following is an entry in ClinVar:

NM_001366385.1(CARD14):c.2278C>T (p.Arg760Cys)

Genes: SGSH (N-sulfoglucosamine sulfohydrolase; minus strand), CARD14 (caspase recruitment domain family member 14; plus strand). Cytogenetic location: 17q25.3.
Variant type: single nucleotide variant.
Coding change: c.2278C>T on transcript NM_001366385.1 (MANE Select); coding-DNA position 2278, C replaced by T.
Protein change: p.Arg760Cys; replaces arginine 760 with cysteine.
Molecular consequence: missense variant. On other transcripts: non-coding transcript variant (1).
Genome position (GRCh38, 1-based): chr17:80,203,880, C>T. VCF-style: chr17-80203880-C-T. GRCh37 (hg19) VCF-style: chr17-78177679-C-T.
Other names: c.2278C>T, p.Arg760Cys (NM_024110.4); short protein forms R760C.
Identifiers: ClinVar variation 1052016 (VCV001052016.9), dbSNP rs563350773, ClinGen allele CA8817250.

ClinVar aggregate classification (germline): Uncertain significance (1 of 4 stars; one submission).

Conditions:
Psoriasis 2. Identifiers: MedGen C1864497, MONDO:0011269, OMIM 602723.
Pityriasis rubra pilaris (PRP). Also called: Pityriasis rubra pilaris--familial type. Identifiers: Orphanet 2897, MedGen C0032027, MONDO:0100017, OMIM 173200, MONDO:0008251.

Allele frequency attached by ClinVar (database versions not stated): gnomAD 0.00002 and 0.00003; ExAC 0.00006; 1000 Genomes Project 0.00020; 1000 Genomes Project 30x 0.00031.
gnomAD v4.1: 17 of 1,595,506 alleles (0.0011%); highest among the groups gnomAD compares: South Asian, 0.0057%; no homozygotes.

Submission:

Labcorp Genetics (formerly Invitae), Labcorp
Classification: Uncertain significance for Pityriasis rubra pilaris; Psoriasis 2. Last evaluated: 2025-12-16. Review status: criteria provided, single submitter. Criteria: Invitae Variant Classification Sherloc (09022015). Collection method: clinical testing. Allele origin: germline.
Comment: This sequence change replaces arginine, which is basic and polar, with cysteine, which is neutral and slightly polar, at codon 760 of the CARD14 protein (p.Arg760Cys). The frequency data for this variant in the population databases is considered unreliable, as metrics indicate poor data quality at this position in the gnomAD database. This variant has not been reported in the literature in individuals affected with CARD14-related conditions. ClinVar contains an entry for this variant (Variation ID: 1052016). An algorithm developed to predict the effect of missense changes on protein structure and function outputs the following: PolyPhen-2: "Benign". The cysteine amino acid residue is found in multiple mammalian species, which suggests that this missense change does not adversely affect protein function. In summary, the available evidence is currently insufficient to determine the role of this variant in disease. Therefore, it has been classified as a Variant of Uncertain Significance.